The following is an entry in ClinVar:

NM_000094.4(COL7A1):c.1241-2A>G

Gene: COL7A1 (collagen type VII alpha 1 chain; minus strand). Cytogenetic location: 3p21.31.
Variant type: single nucleotide variant.
Coding change: c.1241-2A>G on transcript NM_000094.4 (MANE Select); the canonical splice acceptor site of the intron before coding-DNA position 1241, A replaced by G.
Molecular consequence: splice acceptor variant.
Genome position (GRCh38, 1-based): chr3:48,592,016, T>C on the plus strand (A>G on the coding strand, the complement: COL7A1 is on the minus strand). VCF-style: chr3-48592016-T-C. GRCh37 (hg19) VCF-style: chr3-48629449-T-C.
Identifiers: ClinVar variation 4532191 (VCV004532191.1).

ClinVar aggregate classification (germline): Pathogenic (1 of 4 stars; one submission).

Conditions:
Epidermolysis bullosa simplex 1A, generalized severe (EBS1A). Also called: Epidermolysis bullosa simplex Dowling-Meara type. Identifiers: Orphanet 79396, MedGen C0079295, MONDO:0007550, OMIM 131760.

Submission:

Centro de Genética y Biología Molecular, Universidad de San Martín de Porres
Classification: Pathogenic for Epidermolysis bullosa simplex 1A, generalized severe. Last evaluated: 2020-01-20. Review status: criteria provided, single submitter. Criteria: ACMG Guidelines, 2015. Collection method: research. Allele origin: unknown. Inheritance: Autosomal dominant inheritance. Affected: yes.
Comment: This sequence change falls in intron 9 of the COL7A1 affecting a nucleotide within the consensus splice site of the intron in COL7A1, (disrupting). It is a probable cause of aberrant splicing. There is no report in population databases.

Literature cited by the submitters: PubMed 15576681; PubMed 9636098.